The following is an entry in ClinVar:

NM_000090.4(COL3A1):c.2220G>A (p.Lys740=)

Gene: COL3A1 (collagen type III alpha 1 chain; plus strand). Cytogenetic location: 2q32.2.
Variant type: single nucleotide variant.
Coding change: c.2220G>A on transcript NM_000090.4 (MANE Select); coding-DNA position 2220, G replaced by A.
Protein change: p.Lys740=; no amino-acid change (lysine 740 retained).
Molecular consequence: synonymous variant.
Genome position (GRCh38, 1-based): chr2:188,999,568, G>A. VCF-style: chr2-188999568-G-A. GRCh37 (hg19) VCF-style: chr2-189864294-G-A.
Identifiers: ClinVar variation 236993 (VCV000236993.13), dbSNP rs541557925, ClinGen allele CA10581906.

ClinVar aggregate classification (germline): Uncertain significance. Review status: criteria provided, multiple submitters, no conflicts (2 of 4 stars). 3 submissions from 3 submitters: Uncertain significance (3). Last evaluated 2025-12-26.

Conditions:
Familial thoracic aortic aneurysm and aortic dissection (TAAD). Also called: Thoracic aortic aneurysms and dissections. Identifiers: Orphanet 91387, MedGen C4707243, MONDO:0019625.
Ehlers-Danlos syndrome, type 4 (EDSVASC). Also called: Ehlers-Danlos syndrome vascular type; Ehlers Danlos syndrome, ecchymotic type; Ehlers Danlos syndrome, arterial type; Ehlers Danlos syndrome, Sack-Barabas type; Ehlers-Danlos Syndrome Type IV. Identifiers: Orphanet 286, MedGen C0268338, MONDO:0017314, OMIM 130050.

Allele frequency attached by ClinVar (database versions not stated): gnomAD exomes below 0.00001; TOPMed below 0.00001; gnomAD 0.00001.
gnomAD v4.1: 5 of 1,613,190 alleles (0.00031%); highest among the groups gnomAD compares: South Asian, 0.0011%; no homozygotes.

Submissions (3):

Color Diagnostics, LLC DBA Color Health
Classification: Uncertain significance for Familial thoracic aortic aneurysm and aortic dissection. Last evaluated: 2025-12-26. Review status: criteria provided, single submitter. Criteria: ACMG Guidelines, 2015. Collection method: clinical testing. Allele origin: germline.
Comment: This synonymous variant in the COL3A1 gene is predicted to disrupt RNA splicing. To our knowledge, functional studies have not been reported for this variant. This variant has not been reported in individuals affected with cardiovascular disorders in the literature. This variant has not been identified in the general population by the Genome Aggregation Database (gnomAD). The available evidence is insufficient to determine the role of this variant in disease conclusively. Therefore, this variant is classified as a Variant of Uncertain Significance.

Labcorp Genetics (formerly Invitae), Labcorp
Classification: Uncertain significance for Ehlers-Danlos syndrome, type 4. Last evaluated: 2025-07-21. Review status: criteria provided, single submitter. Criteria: Invitae Variant Classification Sherloc (09022015). Collection method: clinical testing. Allele origin: germline.
Comment: This sequence change affects codon 740 of the COL3A1 mRNA. It is a 'silent' change, meaning that it does not change the encoded amino acid sequence of the COL3A1 protein. This variant is not present in population databases (gnomAD no frequency). This variant has not been reported in the literature in individuals affected with COL3A1-related conditions. ClinVar contains an entry for this variant (Variation ID: 236993). Algorithms developed to predict the effect of sequence changes on RNA splicing suggest that this variant may disrupt the consensus splice site. In summary, the available evidence is currently insufficient to determine the role of this variant in disease. Therefore, it has been classified as a Variant of Uncertain Significance.

All of Us Research Program, National Institutes of Health
Classification: Uncertain significance for Ehlers-Danlos syndrome, type 4. Last evaluated: 2022-11-28. Review status: criteria provided, single submitter. Criteria: ACMG Guidelines, 2015. Collection method: clinical testing. Allele origin: germline. Inheritance: Autosomal dominant inheritance. Observed: 1 variant allele, 1 heterozygote.
Comment: Variant of Uncertain Significance due to insufficient evidence: This synonymous variant does not change the amino acid sequence of the COL3A1 protein. However, computational splicing tools suggest that this variant may not impact RNA splicing by creating a new splice donor site. To our knowledge, functional assays have not been performed for this variant nor has this variant been reported in individuals affected with cardiovascular disorders in the literature. This variant is rare in the general population and has been identified in 0/277264 chromosomes by the Genome Aggregation Database (gnomAD). Available evidence is insufficient to determine the pathogenicity of this variant conclusively.

This study involves interpretation of variants in research participants for the purpose of population health screening. Participant phenotype was not available at the time of variant classification. Additional details can be found in publication PMID: 35346344, PMCID: PMC8962531